The following is an entry in ClinVar:

ClinVar aggregate classification (germline): Uncertain significance (1 of 4 stars; one submission).

Allele frequency attached by ClinVar (database versions not stated): TOPMed 0.00002; gnomAD 0.00003.
gnomAD v4.1: 43 of 1,536,074 alleles (0.0028%); highest among the groups gnomAD compares: Middle Eastern, 0.017%; no homozygotes.

Submission:

Labcorp Genetics (formerly Invitae), Labcorp
Classification: Uncertain significance. Last evaluated: 2025-08-20. Review status: criteria provided, single submitter. Criteria: Invitae Variant Classification Sherloc (09022015). Collection method: clinical testing. Allele origin: germline.
Comment: The C2CD3 gene has multiple clinically relevant transcripts. This variant occurs in alternate transcript NM_001286577.1, and corresponds to NM_015531.5:c.*964C>G in the primary transcript. This sequence change replaces proline, which is neutral and non-polar, with alanine, which is neutral and non-polar, at codon 2176 of the C2CD3 protein (p.Pro2176Ala). This variant is present in population databases (no rsID available, gnomAD 0.01%). This variant has not been reported in the literature in individuals affected with C2CD3-related conditions. Experimental studies and prediction algorithms are not available or were not evaluated, and the functional significance of this variant is currently unknown. In summary, the available evidence is currently insufficient to determine the role of this variant in disease. Therefore, it has been classified as a Variant of Uncertain Significance.

NM_001286577.2(C2CD3):c.6526C>G (p.Pro2176Ala)

Gene: C2CD3 (C2 domain containing 3 centriole elongation regulator; minus strand). Cytogenetic location: 11q13.4.
Variant type: single nucleotide variant.
Coding change: c.6526C>G on transcript NM_001286577.2 (MANE Select); coding-DNA position 6526, C replaced by G.
Protein change: p.Pro2176Ala; replaces proline 2176 with alanine.
Molecular consequence: missense variant.
Genome position (GRCh38, 1-based): chr11:74,033,634, G>C on the plus strand (C>G on the coding strand, the complement: C2CD3 is on the minus strand). VCF-style: chr11-74033634-G-C. GRCh37 (hg19) VCF-style: chr11-73744679-G-C.
Other names: short protein forms P2176A.
Identifiers: ClinVar variation 1906635 (VCV001906635.5), dbSNP rs907375143, ClinGen allele CA224505569.